The following is an entry in ClinVar:

ClinVar aggregate classification (germline): Benign. Review status: criteria provided, multiple submitters, no conflicts (2 of 4 stars). 5 submissions from 5 submitters: Benign (5). Last evaluated 2026-02-01.

Conditions:
Pityriasis rubra pilaris (PRP). Also called: Pityriasis rubra pilaris--familial type. Identifiers: Orphanet 2897, MedGen C0032027, MONDO:0100017, OMIM 173200, MONDO:0008251.
Psoriasis 2. Identifiers: MedGen C1864497, MONDO:0011269, OMIM 602723.
Autoinflammatory syndrome. Identifiers: Orphanet 93665, MedGen C3890737, MONDO:0019751.

Allele frequency attached by ClinVar (database versions not stated): gnomAD exomes 0.00055 and 0.00145; ExAC 0.00171; gnomAD 0.00541 and 0.00572; ESP Exome Variant Server 0.00569; TOPMed 0.00596; 1000 Genomes Project 0.00719; 1000 Genomes Project 30x 0.00734.
gnomAD v4.1: 1,665 of 1,614,002 alleles (0.1%); highest among the groups gnomAD compares: African/African-American, 1.9%; 13 homozygotes.

Submissions (5):

Labcorp Genetics (formerly Invitae), Labcorp
Classification: Benign for Pityriasis rubra pilaris; Psoriasis 2. Last evaluated: 2026-02-01. Review status: criteria provided, single submitter. Criteria: Invitae Variant Classification Sherloc (09022015). Collection method: clinical testing. Allele origin: germline.

Women's Health and Genetics/Laboratory Corporation of America, LabCorp
Classification: Benign. Last evaluated: 2026-01-22. Review status: criteria provided, single submitter. Criteria: LabCorp Variant Classification Summary - May 2015. Collection method: clinical testing. Allele origin: germline.

Mayo Clinic Laboratories, Mayo Clinic
Classification: Benign. Last evaluated: 2023-08-28. Review status: criteria provided, single submitter. Criteria: ACMG Guidelines, 2015. Collection method: clinical testing. Allele origin: germline. Observed: 2 variant alleles.
Comment: BS1, BS2, BP4, BP7

Genome Diagnostics Laboratory, The Hospital for Sick Children
Classification: Benign for Autoinflammatory syndrome. Last evaluated: 2019-06-01. Review status: criteria provided, single submitter. Criteria: ACMG Guidelines, 2015. Collection method: clinical testing. Allele origin: germline. Affected: yes.

Breakthrough Genomics
Classification: Benign. Review status: criteria provided, single submitter. Criteria: ACMG Guidelines, 2015. Collection method: not provided. Allele origin: germline. Inheritance: Autosomal dominant inheritance. Affected: yes.

NM_001366385.1(CARD14):c.2763C>T (p.Ile921=)

Genes: CARD14 (caspase recruitment domain family member 14; plus strand), SGSH (N-sulfoglucosamine sulfohydrolase; minus strand). Cytogenetic location: 17q25.3.
Variant type: single nucleotide variant.
Coding change: c.2763C>T on transcript NM_001366385.1 (MANE Select); coding-DNA position 2763, C replaced by T.
Protein change: p.Ile921=; no amino-acid change (isoleucine 921 retained).
Molecular consequence: synonymous variant. On other transcripts: non-coding transcript variant (1).
Genome position (GRCh38, 1-based): chr17:80,207,041, C>T. VCF-style: chr17-80207041-C-T. GRCh37 (hg19) VCF-style: chr17-78180840-C-T.
Other names: p.Ile921=; c.2763C>T, p.Ile921= (NM_024110.4).
Identifiers: ClinVar variation 527894 (VCV000527894.18), dbSNP rs150378107, ClinGen allele CA8817442.